The following is an entry in ClinVar:

NM_012210.4(TRIM32):c.469C>T (p.Arg157Trp)

Genes: ASTN2 (astrotactin 2; minus strand), TRIM32 (tripartite motif containing 32; plus strand). Cytogenetic location: 9q33.1.
Variant type: single nucleotide variant.
Coding change: c.469C>T on transcript NM_012210.4 (MANE Select); coding-DNA position 469, C replaced by T.
Protein change: p.Arg157Trp; replaces arginine 157 with tryptophan.
Molecular consequence: missense variant. On other transcripts: intron variant (3).
Genome position (GRCh38, 1-based): chr9:116,698,211, C>T. VCF-style: chr9-116698211-C-T. GRCh37 (hg19) VCF-style: chr9-119460490-C-T.
Other names: c.469C>T, p.Arg157Trp (NM_001099679.2, NM_001379048.1, NM_001379049.1 and 1 more transcripts); c.2653+27560G>A (NM_014010.5); c.2794+27560G>A (NM_001365069.1); c.2806+27560G>A (NM_001365068.1); short protein forms R157W.
Identifiers: ClinVar variation 2058636 (VCV002058636.8), dbSNP rs563191272, ClinGen allele CA5210988.
Genomic context (GRCh38, chr9:116,698,211, plus strand): 5'-CCTGTCAAAGAAGCAGCTGAGGAGCGGCGTCGGGACTTTGGAGAGAAGTTAACTCGTCTG[C>T]GGGAACTTATGGGGGAGCTGCAGCGGCGGAAGGCAGCCTTGGAAGGTGTCTCCAAGGACC-3'
Protein context (NP_036342.2, residues 147-167): RDFGEKLTRL[Arg157Trp]ELMGELQRRK

ClinVar aggregate classification (germline): Uncertain significance. Review status: criteria provided, multiple submitters, no conflicts (2 of 4 stars). 4 submissions from 4 submitters: Uncertain significance (4). Last evaluated 2026-09-09.

Conditions:
Bardet-Biedl syndrome 11 (BBS11). Identifiers: Orphanet 110, MedGen C1859569, MONDO:0014439, OMIM 615988.
Sarcotubular myopathy (LGMDR8). Also called: Autosomal recessive limb-girdle muscular dystrophy type 2H; MUSCULAR DYSTROPHY, LIMB-GIRDLE, AUTOSOMAL RECESSIVE 8; Limb-girdle muscular dystrophy, type 2H; Hutterite type of muscular dystrophy. Identifiers: Orphanet 1878, MedGen C0270968, MONDO:0009683, OMIM 254110.
Bardet-Biedl syndrome (BBS). Identifiers: Orphanet 110, MedGen C0752166, MONDO:0015229.
TRIM32-related disorder. Also called: TRIM32-related condition.

Allele frequency attached by ClinVar (database versions not stated): gnomAD 0.00001; ExAC 0.00002; TOPMed 0.00002; 1000 Genomes Project 30x 0.00016; 1000 Genomes Project 0.00020.
gnomAD v4.1: 6 of 1,614,078 alleles (0.00037%); highest among the groups gnomAD compares: Non-Finnish European, 0.00051%; no homozygotes.

Submissions (4):

PreventionGenetics, part of Exact Sciences
Classification: Uncertain significance for TRIM32-related condition. Last evaluated: 2026-09-09. Review status: criteria provided, single submitter. Criteria: ACMG Guidelines, 2015. Collection method: clinical testing. Allele origin: germline.
Comment: The TRIM32 c.469C>T variant is predicted to result in the amino acid substitution p.Arg157Trp. To our knowledge, this variant has not been reported in the literature. This variant is reported in 0.00088% of alleles in individuals of European (Non-Finnish) descent in gnomAD. At this time, the clinical significance of this variant is uncertain due to the absence of conclusive functional and genetic evidence.

Fulgent Genetics
Classification: Uncertain significance for Sarcotubular myopathy; Bardet-Biedl syndrome 11. Last evaluated: 2024-06-20. Review status: criteria provided, single submitter. Criteria: ACMG Guidelines, 2015. Collection method: clinical testing. Allele origin: germline.

Labcorp Genetics (formerly Invitae), Labcorp
Classification: Uncertain significance for Bardet-Biedl syndrome. Last evaluated: 2024-01-08. Review status: criteria provided, single submitter. Criteria: Invitae Variant Classification Sherloc (09022015). Collection method: clinical testing. Allele origin: germline.
Comment: This sequence change replaces arginine, which is basic and polar, with tryptophan, which is neutral and slightly polar, at codon 157 of the TRIM32 protein (p.Arg157Trp). This variant is present in population databases (rs563191272, gnomAD 0.0009%). This variant has not been reported in the literature in individuals affected with TRIM32-related conditions. ClinVar contains an entry for this variant (Variation ID: 2058636). An algorithm developed to predict the effect of missense changes on protein structure and function (PolyPhen-2) suggests that this variant is likely to be disruptive. In summary, the available evidence is currently insufficient to determine the role of this variant in disease. Therefore, it has been classified as a Variant of Uncertain Significance.

Revvity Omics, Revvity
Classification: Uncertain significance. Last evaluated: 2019-08-13. Review status: criteria provided, single submitter. Criteria: ACMG Guidelines, 2015. Collection method: clinical testing. Allele origin: germline.